The following is an entry in ClinVar:

ClinVar aggregate classification (germline): Uncertain significance. Review status: criteria provided, multiple submitters, no conflicts (2 of 4 stars). 2 submissions from 2 submitters: Uncertain significance (2). Last evaluated 2022-02-08.

Conditions:
DICER1-related tumor predisposition. Also called: DICER1 syndrome; DICER1-related pleuropulmonary blastoma cancer predisposition syndrome. Identifiers: Orphanet 284343, MedGen C3839822, MONDO:0100216.
Hereditary cancer-predisposing syndrome. Also called: Hereditary neoplastic syndrome; Neoplastic Syndromes, Hereditary; Hereditary Cancer Syndrome; Tumor predisposition. Identifiers: Orphanet 140162, MedGen C0027672, MeSH D009386, MONDO:0015356.

Allele frequency attached by ClinVar (database versions not stated): gnomAD exomes below 0.00001.
gnomAD v4.1: 1 of 1,611,464 alleles (0.000062%); highest among the groups gnomAD compares: Non-Finnish European, 0.000085%; no homozygotes.

Submissions (2):

Labcorp Genetics (formerly Invitae), Labcorp
Classification: Uncertain significance for DICER1-related tumor predisposition. Last evaluated: 2022-02-08. Review status: criteria provided, single submitter. Criteria: Invitae Variant Classification Sherloc (09022015). Collection method: clinical testing. Allele origin: germline.
Comment: This variant is not present in population databases (gnomAD no frequency). In summary, the available evidence is currently insufficient to determine the role of this variant in disease. Therefore, it has been classified as a Variant of Uncertain Significance. Algorithms developed to predict the effect of missense changes on protein structure and function (SIFT, PolyPhen-2, Align-GVGD) all suggest that this variant is likely to be tolerated. This variant has not been reported in the literature in individuals affected with DICER1-related conditions. This sequence change replaces glutamic acid, which is acidic and polar, with lysine, which is basic and polar, at codon 1425 of the DICER1 protein (p.Glu1425Lys).

Ambry Genetics
Classification: Uncertain significance for Hereditary cancer-predisposing syndrome. Last evaluated: 2020-12-03. Review status: criteria provided, single submitter. Criteria: Ambry Variant Classification Scheme 2023. Collection method: clinical testing. Allele origin: germline.
Comment: The p.E1425K variant (also known as c.4273G>A), located in coding exon 22 of the DICER1 gene, results from a G to A substitution at nucleotide position 4273. The glutamic acid at codon 1425 is replaced by lysine, an amino acid with similar properties. This amino acid position is not well conserved in available vertebrate species. In addition, the in silico prediction for this alteration is inconclusive. Since supporting evidence is limited at this time, the clinical significance of this alteration remains unclear.

NM_177438.3(DICER1):c.4273G>A (p.Glu1425Lys)

Gene: DICER1 (dicer 1, ribonuclease III; minus strand). Cytogenetic location: 14q32.13.
Variant type: single nucleotide variant.
Coding change: c.4273G>A on transcript NM_177438.3 (MANE Select); coding-DNA position 4273, G replaced by A.
Protein change: p.Glu1425Lys; replaces glutamic acid 1425 with lysine.
Molecular consequence: missense variant.
Genome position (GRCh38, 1-based): chr14:95,096,647, C>T on the plus strand (G>A on the coding strand, the complement: DICER1 is on the minus strand). VCF-style: chr14-95096647-C-T. GRCh37 (hg19) VCF-style: chr14-95562984-C-T.
Other names: c.4273G>A, p.Glu1425Lys (NM_001195573.1, NM_001271282.3, NM_001291628.2 and 1 more transcripts); short protein forms E1425K.
Identifiers: ClinVar variation 1388689 (VCV001388689.11), dbSNP rs2139853952, ClinGen allele CA390869593.